The following is an entry in ClinVar:

ClinVar aggregate classification (germline): Uncertain significance (1 of 4 stars; one submission).

Conditions:
Hereditary cancer-predisposing syndrome. Also called: Neoplastic Syndromes, Hereditary; Tumor predisposition; Hereditary neoplastic syndrome; Hereditary Cancer Syndrome. Identifiers: Orphanet 140162, MedGen C0027672, MeSH D009386, MONDO:0015356.
Cardiovascular phenotype. Identifiers: MedGen CN230736.

Submission:

Ambry Genetics
Classification: Uncertain significance for Cardiovascular phenotype; Hereditary cancer-predisposing syndrome. Last evaluated: 2024-01-11. Review status: criteria provided, single submitter. Criteria: Ambry Variant Classification Scheme 2023. Collection method: clinical testing. Allele origin: germline.
Comment: The p.N309S variant (also known as c.926A>G), located in coding exon 9 of the LZTR1 gene, results from an A to G substitution at nucleotide position 926. The asparagine at codon 309 is replaced by serine, an amino acid with highly similar properties. This amino acid position is conserved. In addition, this alteration is predicted to be tolerated by in silico analysis. Since supporting evidence is limited at this time, the clinical significance of this alteration remains unclear.

NM_006767.4(LZTR1):c.926A>G (p.Asn309Ser)

Gene: LZTR1 (leucine zipper like post translational regulator 1; plus strand). Cytogenetic location: 22q11.21.
Variant type: single nucleotide variant.
Coding change: c.926A>G on transcript NM_006767.4 (MANE Select); coding-DNA position 926, A replaced by G.
Protein change: p.Asn309Ser; replaces asparagine 309 with serine.
Molecular consequence: missense variant.
Genome position (GRCh38, 1-based): chr22:20,991,762, A>G. VCF-style: chr22-20991762-A-G. GRCh37 (hg19) VCF-style: chr22-21346051-A-G.
Other names: short protein forms N309S.
Identifiers: ClinVar variation 3238369 (VCV003238369.1), dbSNP rs2518617266.
Genomic context (GRCh38, chr22:20,991,762, plus strand): 5'-TGGTGGCCTTTGACCGCCACCTCTATGTGTTTGGGGGTGCGGCCGACAACACGCTGCCCA[A>G]CGAGCTGCACTGCTATGACGTGGACTTCCAGACCTGGGAGGTCGTCCAGCCCAGCTCCGA-3'
Protein context (NP_006758.2, residues 299-319): FGGAADNTLP[Asn309Ser]ELHCYDVDFQ